The following is an entry in ClinVar:

NM_006939.4(SOS2):c.1331T>A (p.Met444Lys)

Gene: SOS2 (SOS Ras/Rho guanine nucleotide exchange factor 2; minus strand). Cytogenetic location: 14q21.3.
Variant type: single nucleotide variant.
Coding change: c.1331T>A on transcript NM_006939.4 (MANE Select); coding-DNA position 1331, T replaced by A.
Protein change: p.Met444Lys; replaces methionine 444 with lysine.
Molecular consequence: missense variant.
Genome position (GRCh38, 1-based): chr14:50,159,952, A>T on the plus strand (T>A on the coding strand, the complement: SOS2 is on the minus strand). VCF-style: chr14-50159952-A-T. GRCh37 (hg19) VCF-style: chr14-50626670-A-T.
Other names: c.1232T>A, p.Met411Lys (NM_001411020.1); short protein forms M411K, M444K.
Identifiers: ClinVar variation 3234105 (VCV003234105.1), dbSNP rs1884941577, ClinGen allele CA389646026.

ClinVar aggregate classification (germline): Uncertain significance (1 of 4 stars; one submission).

Conditions:
Noonan syndrome 9 (NS9). Identifiers: Orphanet 648, MedGen C4225282, MONDO:0014691, OMIM 616559.

Submission:

MVZ Medizinische Genetik Mainz
Classification: Uncertain significance for Noonan syndrome 9. Last evaluated: 2021-11-15. Review status: criteria provided, single submitter. Criteria: UK Practice Guidelines For Variant Classification V4 01 2020. Collection method: clinical testing. Allele origin: germline. Inheritance: Autosomal dominant inheritance. Affected: yes. Observed: 1 variant allele.
Comment: ACMG Criteria: PM1, PM2_SUP, PP2 (ACMG Version 3)